The following is an entry in ClinVar:

NM_025114.4(CEP290):c.2587-3C>T

Gene: CEP290 (centrosomal protein 290; minus strand). Cytogenetic location: 12q21.32.
Variant type: single nucleotide variant.
Coding change: c.2587-3C>T on transcript NM_025114.4 (MANE Select); 3 bases into the intron before coding-DNA position 2587, C replaced by T.
Molecular consequence: intron variant.
Genome position (GRCh38, 1-based): chr12:88,106,908, G>A on the plus strand (C>T on the coding strand, the complement: CEP290 is on the minus strand). VCF-style: chr12-88106908-G-A. GRCh37 (hg19) VCF-style: chr12-88500685-G-A.
Other names: c.2587-3C>T (NM_025114.3).
Identifiers: ClinVar variation 991347 (VCV000991347.8), dbSNP rs759025964, ClinGen allele CA6712300.

ClinVar aggregate classification (germline): Uncertain significance. Review status: criteria provided, multiple submitters, no conflicts (2 of 4 stars). 4 submissions from 4 submitters: Uncertain significance (3). 1 of the submissions does not count toward it. Last evaluated 2026-01-16.

Conditions:
Leber congenital amaurosis (LCA). Also called: Leber's amaurosis. Identifiers: Orphanet 65, MedGen C0339527, MeSH D057130, MONDO:0018998.
CEP290-related disorder. Also called: CEP290-related condition; CEP290-related disorders. Identifiers: MedGen CN239314.
Inborn genetic diseases. Identifiers: MedGen C0950123, MeSH D030342.
Nephronophthisis. Also called: Juvenile Nephronophthisis. Identifiers: Orphanet 655, MedGen C0687120, MONDO:0019005, HP:0000090.
Meckel-Gruber syndrome. Also called: GRUBER SYNDROME; Dysencephalia splachnocystica; DYSENCEPHALIA SPLANCHNOCYSTICA. Identifiers: Orphanet 564, MedGen C0265215, MONDO:0018921.
Joubert syndrome. Also called: Familial aplasia of the vermis; JOUBERT-BOLTSHAUSER SYNDROME. Identifiers: Orphanet 475, MedGen C5979921, MONDO:0018772.

Allele frequency attached by ClinVar (database versions not stated): gnomAD 0.00001; gnomAD exomes 0.00001 and 0.00007; TOPMed 0.00001; ExAC 0.00011.
gnomAD v4.1: 19 of 1,596,640 alleles (0.0012%); highest among the groups gnomAD compares: Admixed American, 0.031%; no homozygotes.

Submissions (4):

PreventionGenetics, part of Exact Sciences
Classification: Uncertain significance for CEP290-related condition. Last evaluated: 2026-01-16. Review status: criteria provided, single submitter. Criteria: ACMG Guidelines, 2015. Collection method: clinical testing. Allele origin: germline.
Comment: The CEP290 c.2587-3C>T variant is predicted to interfere with splicing. Based on splicing prediction algorithm (SpliceAI, Jaganathan et al. 2019. PubMed ID: 30661751), this variant is predicted to impact splicing by weakening the acceptor site; however, the use of computer prediction programs is not equivalent to functional evidence. To our knowledge, this variant has not been reported in the literature. This variant is reported in 0.049% of alleles in individuals of Latino descent in gnomAD, which is likely too common for an undocumented disease-causing variant. Although we suspect that this variant may be benign, at this time, the clinical significance of this variant is uncertain due to the absence of conclusive functional and genetic evidence.

Labcorp Genetics (formerly Invitae), Labcorp
Classification: Uncertain significance for Joubert syndrome; Meckel-Gruber syndrome; Nephronophthisis. Last evaluated: 2024-10-15. Review status: criteria provided, single submitter. Criteria: Invitae Variant Classification Sherloc (09022015). Collection method: clinical testing. Allele origin: germline.
Comment: This sequence change falls in intron 24 of the CEP290 gene. It does not directly change the encoded amino acid sequence of the CEP290 protein. It affects a nucleotide within the consensus splice site. This variant is present in population databases (rs759025964, gnomAD 0.05%). This variant has not been reported in the literature in individuals affected with CEP290-related conditions. ClinVar contains an entry for this variant (Variation ID: 991347). Variants that disrupt the consensus splice site are a relatively common cause of aberrant splicing (PMID: 17576681, 9536098). Algorithms developed to predict the effect of sequence changes on RNA splicing suggest that this variant may disrupt the consensus splice site. In summary, the available evidence is currently insufficient to determine the role of this variant in disease. Therefore, it has been classified as a Variant of Uncertain Significance.

Ambry Genetics
Classification: Uncertain significance for Inborn genetic diseases. Last evaluated: 2023-11-27. Review status: criteria provided, single submitter. Criteria: Ambry Variant Classification Scheme 2023. Collection method: clinical testing. Allele origin: germline.
Comment: The c.2587-3C>T intronic alteration consists of a C to T substitution 3 nucleotides before coding exon 24 in the CEP290 gene. Based on insufficient or conflicting evidence, the clinical significance of this alteration remains unclear.

Natera, Inc.
Classification: Uncertain significance for Leber congenital amaurosis. Last evaluated: 2020-04-17. Review status: no assertion criteria provided. Collection method: clinical testing. Allele origin: germline. Not counted in ClinVar's aggregate classification.

Literature cited by the submitters: PubMed 17576681 (cited by Labcorp Genetics (formerly Invitae), Labcorp); PubMed 9536098 (cited by Labcorp Genetics (formerly Invitae), Labcorp).